The following is an entry in ClinVar:

NM_181534.4(KRT25):c.44G>A (p.Arg15His)

Gene: KRT25 (keratin 25; minus strand). Cytogenetic location: 17q21.2.
Variant type: single nucleotide variant.
Coding change: c.44G>A on transcript NM_181534.4 (MANE Select); coding-DNA position 44, G replaced by A.
Protein change: p.Arg15His; replaces arginine 15 with histidine.
Molecular consequence: missense variant.
Genome position (GRCh38, 1-based): chr17:40,755,228, C>T on the plus strand (G>A on the coding strand, the complement: KRT25 is on the minus strand). VCF-style: chr17-40755228-C-T. GRCh37 (hg19) VCF-style: chr17-38911480-C-T.
Other names: short protein forms R15H.
Identifiers: ClinVar variation 2572884 (VCV002572884.1), dbSNP rs764229220, ClinGen allele CA8546488.

ClinVar aggregate classification (germline): Uncertain significance (1 of 4 stars; one submission).

Allele frequency attached by ClinVar (database versions not stated): gnomAD exomes below 0.00001; TOPMed below 0.00001; ExAC 0.00001.
gnomAD v4.1: 7 of 1,614,060 alleles (0.00043%); highest among the groups gnomAD compares: African/African-American, 0.0013%; no homozygotes.

Submission:

GeneDx
Classification: Uncertain significance. Last evaluated: 2023-01-13. Review status: criteria provided, single submitter. Criteria: GeneDx Variant Classification Process June 2021. Collection method: clinical testing. Allele origin: germline. Affected: yes.
Comment: Not observed at significant frequency in large population cohorts (gnomAD); In silico analysis supports that this missense variant does not alter protein structure/function; Has not been previously published as pathogenic or benign to our knowledge